The following is an entry in ClinVar:

ClinVar aggregate classification (germline): Uncertain significance (1 of 4 stars; one submission).

Conditions:
Hereditary cancer-predisposing syndrome. Also called: Tumor predisposition; Neoplastic Syndromes, Hereditary; Hereditary neoplastic syndrome; Hereditary Cancer Syndrome. Identifiers: Orphanet 140162, MedGen C0027672, MeSH D009386, MONDO:0015356.

Submission:

Ambry Genetics
Classification: Uncertain significance for Hereditary cancer-predisposing syndrome. Last evaluated: 2024-10-04. Review status: criteria provided, single submitter. Criteria: Ambry Variant Classification Scheme 2023. Collection method: clinical testing. Allele origin: germline.
Comment: The p.I221V variant (also known as c.661A>G), located in coding exon 6 of the SMARCB1 gene, results from an A to G substitution at nucleotide position 661. The isoleucine at codon 221 is replaced by valine, an amino acid with highly similar properties. This amino acid position is conserved. In addition, the in silico prediction for this alteration is inconclusive. Based on the available evidence, the clinical significance of this variant remains unclear.

NM_003073.5(SMARCB1):c.661A>G (p.Ile221Val)

Gene: SMARCB1 (SWI/SNF related BAF chromatin remodeling complex subunit B1; plus strand). Cytogenetic location: 22q11.23.
Variant type: single nucleotide variant.
Coding change: c.661A>G on transcript NM_003073.5 (MANE Select); coding-DNA position 661, A replaced by G.
Protein change: p.Ile221Val; replaces isoleucine 221 with valine.
Molecular consequence: missense variant.
Genome position (GRCh38, 1-based): chr22:23,816,802, A>G. VCF-style: chr22-23816802-A-G. GRCh37 (hg19) VCF-style: chr22-24158989-A-G.
Other names: c.634A>G, p.Ile212Val (NM_001007468.3); c.688A>G, p.Ile230Val (NM_001317946.2); c.715A>G, p.Ile239Val (NM_001362877.2); short protein forms I212V, I239V, I221V, I230V.
Identifiers: ClinVar variation 3446083 (VCV003446083.1).